The following is an entry in ClinVar:

ClinVar aggregate classification (germline): Conflicting classifications of pathogenicity. Review status: criteria provided, conflicting classifications (1 of 4 stars). 7 submissions from 7 submitters: Uncertain significance (5); Likely benign (2). Last evaluated 2026-01-20.

Conditions:
Wilson disease (WND). Also called: Wilson's disease. Identifiers: Orphanet 905, MedGen C0019202, MONDO:0010200, OMIM 277900. Disease mechanism: loss of function.

Allele frequency attached by ClinVar (database versions not stated): gnomAD 0.00004; TOPMed 0.00005; gnomAD exomes 0.00006 and 0.00007; ExAC 0.00008.
gnomAD v4.1: 107 of 1,614,056 alleles (0.0066%); highest among the groups gnomAD compares: Middle Eastern, 0.016%; no homozygotes.

Submissions (7):

GeneDx
Classification: Uncertain significance. Last evaluated: 2026-01-20. Review status: criteria provided, single submitter. Criteria: GeneDx Variant Classification Process June 2021. Collection method: clinical testing. Allele origin: germline. Affected: yes.
Comment: In silico analysis supports that this missense variant has a deleterious effect on protein structure/function; Has not been previously published as pathogenic or benign to our knowledge; This variant is associated with the following publications: (PMID: 27935710)

Labcorp Genetics (formerly Invitae), Labcorp
Classification: Likely benign for Wilson disease. Last evaluated: 2025-09-30. Review status: criteria provided, single submitter. Criteria: Invitae Variant Classification Sherloc (09022015). Collection method: clinical testing. Allele origin: germline.

Color Diagnostics, LLC DBA Color Health
Classification: Likely benign for Wilson disease. Last evaluated: 2025-07-08. Review status: criteria provided, single submitter. Criteria: ACMG Guidelines, 2015. Collection method: clinical testing. Allele origin: germline.

Fulgent Genetics
Classification: Uncertain significance for Wilson disease. Last evaluated: 2024-01-02. Review status: criteria provided, single submitter. Criteria: ACMG Guidelines, 2015. Collection method: clinical testing. Allele origin: germline.

ARUP Laboratories, Molecular Genetics and Genomics, ARUP Laboratories
Classification: Uncertain significance for Wilson disease. Last evaluated: 2023-01-05. Review status: criteria provided, single submitter. Criteria: ARUP Molecular Germline Variant Investigation Process 2024. Collection method: clinical testing. Allele origin: germline.
Comment: The ATP7B c.1172C>T; p.Ser391Leu variant (rs750724856), is reported in the literature in trans to a pathogenic ATP7B variant in an individual with normal urine copper and serum ceruloplasmin levels without Kayser-Fleisher ring, suggesting this individual is just a carrier of Wilson disease and the uncertain p.Ser391Leu variant may be benign (Jung 2017). The p.Ser391Leu variant is also reported in ClinVar (Variation ID: 312394). It is found in the general population with an overall allele frequency of 0.007% (20/280946 alleles) in the Genome Aggregation Database. Computational analyses are uncertain whether this variant is neutral or deleterious (REVEL: 0.178). Due to limited information, the clinical significance of this variant is uncertain at this time. References: Jung S et al. Quantification of ATP7B Protein in Dried Blood Spots by Peptide Immuno-SRM as a Potential Screen for Wilson's Disease. J Proteome Res. 2017 Feb 3;16(2):862-871. PMID: 27935710.

Genome-Nilou Lab
Classification: Uncertain significance for Wilson disease. Last evaluated: 2021-08-10. Review status: criteria provided, single submitter. Criteria: ACMG Guidelines, 2015. Collection method: clinical testing. Allele origin: germline. Affected: no.

Illumina Laboratory Services, Illumina
Classification: Uncertain significance for Wilson disease. Last evaluated: 2018-01-13. Review status: criteria provided, single submitter. Criteria: ICSL Variant Classification Criteria 13 December 2019. Collection method: clinical testing. Allele origin: germline.

NM_000053.4(ATP7B):c.1172C>T (p.Ser391Leu)

Gene: ATP7B (ATPase copper transporting beta; minus strand). Cytogenetic location: 13q14.3.
Variant type: single nucleotide variant.
Coding change: c.1172C>T on transcript NM_000053.4 (MANE Select); coding-DNA position 1172, C replaced by T.
Protein change: p.Ser391Leu; replaces serine 391 with leucine.
Molecular consequence: missense variant.
Genome position (GRCh38, 1-based): chr13:51,974,048, G>A on the plus strand (C>T on the coding strand, the complement: ATP7B is on the minus strand). VCF-style: chr13-51974048-G-A. GRCh37 (hg19) VCF-style: chr13-52548184-G-A.
Other names: c.1172C>T, p.Ser391Leu (NM_001005918.3, NM_001330578.2, NM_001330579.2); c.839C>T, p.Ser280Leu (NM_001243182.2); short protein forms S391L, S280L.
Identifiers: ClinVar variation 312394 (VCV000312394.24), dbSNP rs750724856, ClinGen allele CA6989425.